The following is an entry in ClinVar:

NM_001201543.2(FAM161A):c.39dup (p.Ser14fs)

Gene: FAM161A (FAM161 centrosomal protein A; minus strand). Cytogenetic location: 2p15.
Variant type: Duplication.
Coding change: c.39dup on transcript NM_001201543.2 (MANE Select); coding-DNA position 39, one base duplicated (C; older notation c.39dupC).
Protein change: p.Ser14fs; shifts the reading frame from serine 14.
Molecular consequence: frameshift variant. On other transcripts: non-coding transcript variant (1).
Genome position (GRCh38, 1-based): chr2:61,854,003, G duplicated on the plus strand (C on the coding strand, the reverse complement: FAM161A is on the minus strand); the first of 2 consecutive G bases (chr2:61,854,003-61,854,004); duplicating either gives the same sequence. VCF-style (leftmost placement, unchanged base first): chr2-61854002-T-TG. GRCh37 (hg19) VCF-style: chr2-62081137-T-TG.
Other names: c.39dup, p.Ser14fs (NM_032180.3); short protein forms S14fs.
Identifiers: ClinVar variation 2061778 (VCV002061778.4), dbSNP rs2466074414, ClinGen allele CA2580067600.

ClinVar aggregate classification (germline): Pathogenic (1 of 4 stars; one submission).

Submission:

Labcorp Genetics (formerly Invitae), Labcorp
Classification: Pathogenic. Last evaluated: 2021-12-27. Review status: criteria provided, single submitter. Criteria: Invitae Variant Classification Sherloc (09022015). Collection method: clinical testing. Allele origin: germline.
Comment: This sequence change creates a premature translational stop signal (p.Ser14Glnfs*50) in the FAM161A gene. It is expected to result in an absent or disrupted protein product. Loss-of-function variants in FAM161A are known to be pathogenic (PMID: 20705278, 20705279, 24651477). For these reasons, this variant has been classified as Pathogenic. This variant has not been reported in the literature in individuals affected with FAM161A-related conditions. This variant is not present in population databases (gnomAD no frequency).

Literature cited by the submitters: PubMed 20705278; PubMed 20705279; PubMed 24651477.